The following is an entry in ClinVar:

ClinVar aggregate classification (germline): Likely benign (1 of 4 stars; one submission).

Conditions:
Peutz-Jeghers syndrome (PJS). Also called: POLYPOSIS, HAMARTOMATOUS INTESTINAL; POLYPS-AND-SPOTS SYNDROME; Peutz-Jeghers polyposis; Periorificial lentiginosis syndrome. Identifiers: Orphanet 2869, MedGen C0031269, MeSH D010580, MONDO:0008280, OMIM 175200.

gnomAD v4.1: 1 of 1,604,414 alleles (0.000062%); highest among the groups gnomAD compares: Non-Finnish European, 0.000085%; no homozygotes.

Submission:

Myriad Genetics, Inc.
Classification: Likely benign for Peutz-Jeghers syndrome. Last evaluated: 2025-03-27. Review status: criteria provided, single submitter. Criteria: Myriad Autosomal Dominant, Autosomal Recessive and X-Linked Classification Criteria (2023). Collection method: clinical testing. Allele origin: unknown.
Comment: This variant is considered likely benign. This variant is intronic and is not expected to impact mRNA splicing.

NM_000455.5(STK11):c.734+7G>A

Gene: STK11 (serine/threonine kinase 11; plus strand). Cytogenetic location: 19p13.3.
Variant type: single nucleotide variant.
Coding change: c.734+7G>A on transcript NM_000455.5 (MANE Select); 7 bases into the intron after coding-DNA position 734, G replaced by A.
Molecular consequence: intron variant.
Genome position (GRCh38, 1-based): chr19:1,220,724, G>A. VCF-style: chr19-1220724-G-A. GRCh37 (hg19) VCF-style: chr19-1220723-G-A.
Other names: c.734+7G>A (NM_001407255.1).
Identifiers: ClinVar variation 3904095 (VCV003904095.1).